The following is an entry in ClinVar:

NM_001161403.3(LIMS2):c.517C>G (p.Leu173Val)

Gene: LIMS2 (LIM zinc finger domain containing 2; minus strand). Cytogenetic location: 2q14.3.
Variant type: single nucleotide variant.
Coding change: c.517C>G on transcript NM_001161403.3 (MANE Select); coding-DNA position 517, C replaced by G.
Protein change: p.Leu173Val; replaces leucine 173 with valine.
Molecular consequence: missense variant.
Genome position (GRCh38, 1-based): chr2:127,642,192, G>C on the plus strand (C>G on the coding strand, the complement: LIMS2 is on the minus strand). VCF-style: chr2-127642192-G-C. GRCh37 (hg19) VCF-style: chr2-128399767-G-C.
Other names: c.583C>G, p.Leu195Val (NM_001136037.4); c.502C>G, p.Leu168Val (NM_001161404.2); c.61C>G, p.Leu21Val (NM_001256542.2); c.589C>G, p.Leu197Val (NM_017980.5); short protein forms L195V, L173V, L197V, L21V, L168V.
Identifiers: ClinVar variation 1447544 (VCV001447544.6), dbSNP rs1200220600, ClinGen allele CA348425492.

ClinVar aggregate classification (germline): Uncertain significance (1 of 4 stars; one submission).

Conditions:
Autosomal recessive limb-girdle muscular dystrophy type 2W (MDRCMTT). Also called: Muscular dystrophy, autosomal recessive, with cardiomyopathy and triangular tongue; Muscular dystrophy, limb-girdle, type 2W. Identifiers: MedGen C4225192, MONDO:0014788, OMIM 616827.

Allele frequency attached by ClinVar (database versions not stated): gnomAD exomes below 0.00001 and 0.00001; TOPMed below 0.00001.
gnomAD v4.1: 1 of 1,555,752 alleles (0.000064%); highest among the groups gnomAD compares: African/African-American, 0.0014%; no homozygotes.

Submission:

Labcorp Genetics (formerly Invitae), Labcorp
Classification: Uncertain significance for Autosomal recessive limb-girdle muscular dystrophy type 2W. Last evaluated: 2022-08-16. Review status: criteria provided, single submitter. Criteria: Invitae Variant Classification Sherloc (09022015). Collection method: clinical testing. Allele origin: germline.
Comment: This sequence change replaces leucine, which is neutral and non-polar, with valine, which is neutral and non-polar, at codon 195 of the LIMS2 protein (p.Leu195Val). In summary, the available evidence is currently insufficient to determine the role of this variant in disease. Therefore, it has been classified as a Variant of Uncertain Significance. Algorithms developed to predict the effect of sequence changes on RNA splicing suggest that this variant may create or strengthen a splice site. Algorithms developed to predict the effect of missense changes on protein structure and function (SIFT, PolyPhen-2, Align-GVGD) all suggest that this variant is likely to be disruptive. ClinVar contains an entry for this variant (Variation ID: 1447544). This variant has not been reported in the literature in individuals affected with LIMS2-related conditions. This variant is present in population databases (no rsID available, gnomAD 0.009%).